The following is an entry in ClinVar:

NM_007294.4(BRCA1):c.1617G>A (p.Thr539=)

Gene: BRCA1 (BRCA1 DNA repair associated; minus strand). Cytogenetic location: 17q21.31.
Variant type: single nucleotide variant.
Coding change: c.1617G>A on transcript NM_007294.4 (MANE Select); coding-DNA position 1617, G replaced by A.
Protein change: p.Thr539=; no amino-acid change (threonine 539 retained).
Molecular consequence: synonymous variant. On other transcripts: intron variant (137).
Genome position (GRCh38, 1-based): chr17:43,093,914, C>T on the plus strand (G>A on the coding strand, the complement: BRCA1 is on the minus strand). VCF-style: chr17-43093914-C-T. GRCh37 (hg19) VCF-style: chr17-41245931-C-T.
Other names: c.1404G>A, p.Thr468= (NM_001407571.1, NM_001407853.1, NM_001407894.1 and 9 more transcripts); c.1617G>A, p.Thr539= (NM_001407581.1, NM_001407582.1, NM_001407583.1 and 30 more transcripts); c.1614G>A, p.Thr538= (NM_001407587.1, NM_001407590.1, NM_001407591.1 and 22 more transcripts); c.1608G>A, p.Thr536= (NM_001407646.1, NM_001407647.1); c.1494G>A, p.Thr498= (NM_001407648.1, NM_001407664.1, NM_001407665.1 and 19 more transcripts); c.1491G>A, p.Thr497= (NM_001407649.1, NM_001407670.1, NM_001407671.1 and 11 more transcripts); c.1539G>A, p.Thr513= (NM_001407653.1, NM_001407654.1, NM_001407655.1 and 4 more transcripts); c.1536G>A, p.Thr512= (NM_001407659.1, NM_001407660.1, NM_001407661.1 and 1 more transcripts); and 40 more.
Identifiers: ClinVar variation 185046 (VCV000185046.42), dbSNP rs372002119, ClinGen allele CA001076.

ClinVar aggregate classification (germline): Likely benign. Review status: reviewed by expert panel (3 of 4 stars). 19 submissions from 19 submitters: Likely benign (1). 18 of the submissions do not count toward it. Last evaluated 2017-06-29.

Conditions:
Hereditary cancer-predisposing syndrome. Also called: Hereditary Cancer Syndrome; Hereditary neoplastic syndrome; Tumor predisposition; Neoplastic Syndromes, Hereditary. Identifiers: Orphanet 140162, MedGen C0027672, MeSH D009386, MONDO:0015356.
Hereditary breast ovarian cancer syndrome. Also called: Hereditary breast and ovarian cancer syndrome; Hereditary breast and ovarian cancer syndrome (HBOC); BRCA1- and BRCA2-Associated Hereditary Breast and Ovarian Cancer; Breast and ovarian cancer; Hereditary breast and ovarian cancer; Hereditary breast and/or ovarian cancer syndrome. Identifiers: Orphanet 145, MedGen C0677776, MeSH D061325, MONDO:0003582. Disease mechanism: loss of function.
Breast-ovarian cancer, familial, susceptibility to, 1 (BROVCA1). Also called: OVARIAN CANCER, SUSCEPTIBILITY TO; BRCA1 Hereditary Breast and Ovarian Cancer. Identifiers: Orphanet 145, MedGen C2676676, MONDO:0011450, OMIM 604370. Disease mechanism: loss of function.
BRCA1-related disorder. Also called: BRCA1-related condition.

Allele frequency attached by ClinVar (database versions not stated): gnomAD exomes 0.00002 and 0.00004; ExAC 0.00004; TOPMed 0.00004; gnomAD 0.00006; ESP Exome Variant Server 0.00015.
gnomAD v4.1: 34 of 1,613,714 alleles (0.0021%); highest among the groups gnomAD compares: African/African-American, 0.0053%; no homozygotes.

Submissions (19):

Evidence-based Network for the Interpretation of Germline Mutant Alleles (ENIGMA)
Classification: Likely benign for Breast-ovarian cancer, familial, susceptibility to, 1. Last evaluated: 2017-06-29. Review status: reviewed by expert panel. Criteria: ENIGMA BRCA1/2 Classification Criteria (2017-06-29). Collection method: curation. Allele origin: germline.
Comment: Synonymous substitution variant, with low bioinformatic likelihood to result in a splicing aberration (Splicing prior probability 0.02).

Labcorp Genetics (formerly Invitae), Labcorp
Classification: Likely benign for Hereditary breast ovarian cancer syndrome. Last evaluated: 2026-01-25. Review status: criteria provided, single submitter. Criteria: Invitae Variant Classification Sherloc (09022015). Collection method: clinical testing. Allele origin: germline. Not counted in ClinVar's aggregate classification.

Center for Genomic Medicine, Rigshospitalet, Copenhagen University Hospital
Classification: Likely benign. Last evaluated: 2025-03-04. Review status: criteria provided, single submitter. Criteria: ACMG Guidelines, 2015. Collection method: clinical testing. Allele origin: germline. Not counted in ClinVar's aggregate classification.

All of Us Research Program, National Institutes of Health
Classification: Likely benign for Breast-ovarian cancer, familial, susceptibility to, 1. Last evaluated: 2023-09-04. Review status: criteria provided, single submitter. Criteria: ACMG Guidelines, 2015. Collection method: clinical testing. Allele origin: germline. Inheritance: Autosomal dominant inheritance. Observed: 5 variant alleles, 5 heterozygotes. Not counted in ClinVar's aggregate classification.
Comment: This study involves interpretation of variants in research participants for the purpose of population health screening. Participant phenotype was not available at the time of variant classification. Additional details can be found in publication PMID: 35346344, PMCID: PMC8962531

Quest Diagnostics Nichols Institute San Juan Capistrano
Classification: Benign. Last evaluated: 2020-07-20. Review status: criteria provided, single submitter. Criteria: Quest Diagnostics criteria. Collection method: clinical testing. Allele origin: unknown. Not counted in ClinVar's aggregate classification.

GeneDx
Classification: Likely benign. Last evaluated: 2020-02-25. Review status: criteria provided, single submitter. Criteria: GeneDx Variant Classification Process June 2021. Collection method: clinical testing. Allele origin: germline. Affected: yes. Not counted in ClinVar's aggregate classification.
Comment: This variant is associated with the following publications: (PMID: 11013445, 25556971, 12457999, 28288110)

Genetic Services Laboratory, University of Chicago
Classification: Likely benign. Last evaluated: 2018-01-22. Review status: criteria provided, single submitter. Criteria: ACMG Guidelines, 2015. Collection method: clinical testing. Allele origin: germline. Affected: no. Not counted in ClinVar's aggregate classification.

Color Diagnostics, LLC DBA Color Health
Classification: Likely benign for Hereditary cancer-predisposing syndrome. Last evaluated: 2017-12-06. Review status: criteria provided, single submitter. Criteria: ACMG Guidelines, 2015. Collection method: clinical testing. Allele origin: germline. Not counted in ClinVar's aggregate classification.

Illumina Laboratory Services, Illumina
Classification: Uncertain significance for Breast-ovarian cancer, familial, susceptibility to, 1. Last evaluated: 2017-04-28. Review status: criteria provided, single submitter. Criteria: ICSL Variant Classification Criteria 13 December 2019. Collection method: clinical testing. Allele origin: germline. Not counted in ClinVar's aggregate classification.

Women's Health and Genetics/Laboratory Corporation of America, LabCorp
Classification: Likely benign. Last evaluated: 2016-06-30. Review status: criteria provided, single submitter. Criteria: LabCorp Variant Classification Summary - May 2015. Collection method: clinical testing. Allele origin: germline. Not counted in ClinVar's aggregate classification.
Comment: Variant summary: The BRCA1 c.1617G>A (p.Thr539Thr) variant involves the alteration of a non-conserved nucleotide, resulting in a synonymous change. One in silico tool predicts a benign outcome for this variant along with 3/5 slice site tools predicting the variant not to have an impact on normal splicing. This variant was found in 6/121200 control chromosomes at a frequency of 0.0000495, which does not exceed the estimated maximal expected allele frequency of a pathogenic BRCA1 variant (0.0010005). It was reported in HBOC patients, however without strong evidence for pathogenicity such as co-segregation information. The variant was reported to co-occur with a potentially pathogenic BRCA1 variant c.2429delA (p.Asn810ThrfsX5) in one individual indicating a benign nature. One clinical diagnostic laboratory classified this variant as Likely benign via ClinVar (without evidence to independently evaluate). Taken together, this variant is classified as Likely Benign.

Ambry Genetics
Classification: Likely benign for Hereditary cancer-predisposing syndrome. Last evaluated: 2015-03-10. Review status: criteria provided, single submitter. Criteria: Ambry Variant Classification Scheme 2023. Collection method: clinical testing. Allele origin: germline. Not counted in ClinVar's aggregate classification.

PreventionGenetics, part of Exact Sciences
Classification: Likely benign for BRCA1-related condition. Last evaluated: 2022-05-02. Review status: no assertion criteria provided. Collection method: clinical testing. Allele origin: germline. Not counted in ClinVar's aggregate classification.
Comment: This variant is classified as likely benign based on ACMG/AMP sequence variant interpretation guidelines (Richards et al. 2015 PMID: 25741868, with internal and published modifications).

Counsyl
Classification: Likely benign for Breast-ovarian cancer, familial, susceptibility to, 1. Last evaluated: 2018-04-19. Review status: no assertion criteria provided. Collection method: clinical testing. Allele origin: unknown. Not counted in ClinVar's aggregate classification.

Clinical Genetics DNA and cytogenetics Diagnostics Lab, Erasmus MC, Erasmus Medical Center
Classification: Likely benign. Review status: no assertion criteria provided. Collection method: clinical testing. Allele origin: germline. Affected: yes. Study: VKGL Data-share Consensus. Not counted in ClinVar's aggregate classification.

Clinical Genetics Laboratory, Department of Pathology, Netherlands Cancer Institute
Classification: Benign. Review status: no assertion criteria provided. Collection method: clinical testing. Allele origin: germline. Affected: yes. Study: VKGL Data-share Consensus. Not counted in ClinVar's aggregate classification.

Department of Pathology and Laboratory Medicine, Sinai Health System
Classification: Likely benign. Review status: no assertion criteria provided. Collection method: clinical testing. Allele origin: unknown. Affected: yes. Study: The Canadian Open Genetics Repository (COGR). Not counted in ClinVar's aggregate classification.
Comment: The BRCA1 p.Thr539Thr variant was identified in dbSNP (rs372002119) and ClinVar (Likely benign, reviewed by expert panel. Classified as likely benign by: ENIGMA, Counsyl, Color, Amrby, Invitae, Integrated Genetics, GeneDx, Quest Diagnostics. Classified as benign by COGR, VUS by Illumina). The variant was reported to co-occur with a potentially pathogenic BRCA1 variant c.2429delA (p.Asn810ThrfsX5) in one individual, providing evidence in support of a benign classification (SCV000698879.1). The variant was identified in control databases in 12 of 282266 chromosomes (0 homozygous) at a frequency of 0.00004251 and was observed at the highest frequency in the African population in 2 of 24940 chromosomes (freq: 0.00008019) (Genome Aggregation Database March 6, 2019, v2.1.1). The p.Thr539Thr variant is a synonymous variant at a poorly conserved nucleotide. The variant occurs outside of the splicing consensus sequence and in silico or computational prediction software programs (Splice AI exome) do not predict a deleterious effect on splicing. In summary, based on the above information the clinical significance of this variant cannot be determined with certainty at this time although we would lean towards a more benign role for this variant. This variant is classified as likely benign.

Diagnostic Laboratory, Department of Genetics, University Medical Center Groningen
Classification: Likely benign. Review status: no assertion criteria provided. Collection method: clinical testing. Allele origin: germline. Affected: yes. Study: VKGL Data-share Consensus. Not counted in ClinVar's aggregate classification.

Genome Diagnostics Laboratory, University Medical Center Utrecht
Classification: Likely benign. Review status: no assertion criteria provided. Collection method: clinical testing. Allele origin: germline. Affected: yes. Study: VKGL Data-share Consensus. Not counted in ClinVar's aggregate classification.

Joint Genome Diagnostic Labs from Nijmegen and Maastricht, Radboudumc and MUMC+
Classification: Likely benign. Review status: no assertion criteria provided. Collection method: clinical testing. Allele origin: germline. Affected: yes. Study: VKGL Data-share Consensus. Not counted in ClinVar's aggregate classification.

Literature cited by the submitters: PubMed 25556971 (cited by Quest Diagnostics Nichols Institute San Juan Capistrano and Women's Health and Genetics/Laboratory Corporation of America, LabCorp); PubMed 12427538 (cited by Women's Health and Genetics/Laboratory Corporation of America, LabCorp); PubMed 11013445 (cited by Women's Health and Genetics/Laboratory Corporation of America, LabCorp and Counsyl); PubMed 12457999 (cited by Women's Health and Genetics/Laboratory Corporation of America, LabCorp and Counsyl); PubMed 25948282 (cited by Counsyl).